The following is an entry in ClinVar:

NM_006907.4(PYCR1):c.416C>T (p.Thr139Met)

Gene: PYCR1 (pyrroline-5-carboxylate reductase 1; minus strand). Cytogenetic location: 17q25.3.
Variant type: single nucleotide variant.
Coding change: c.416C>T on transcript NM_006907.4 (MANE Select); coding-DNA position 416, C replaced by T.
Protein change: p.Thr139Met; replaces threonine 139 with methionine.
Molecular consequence: missense variant.
Genome position (GRCh38, 1-based): chr17:81,935,050, G>A on the plus strand (C>T on the coding strand, the complement: PYCR1 is on the minus strand). VCF-style: chr17-81935050-G-A. GRCh37 (hg19) VCF-style: chr17-79892926-G-A.
Other names: c.416C>T, p.Thr139Met (NM_001282279.2, NM_001282280.2, NM_001330523.2 and 1 more transcripts); c.497C>T, p.Thr166Met (NM_001282281.2); c.416C>T (NM_006907.2); short protein forms T139M, T166M.
Identifiers: ClinVar variation 1422870 (VCV001422870.8), dbSNP rs145576273, ClinGen allele CA8845451.

ClinVar aggregate classification (germline): Uncertain significance. Review status: criteria provided, multiple submitters, no conflicts (2 of 4 stars). 2 submissions from 2 submitters: Uncertain significance (2). Last evaluated 2024-03-25.

Conditions:
Inborn genetic diseases. Identifiers: MedGen C0950123, MeSH D030342.

Allele frequency attached by ClinVar (database versions not stated): TOPMed 0.00002; ExAC 0.00003; gnomAD 0.00004 and 0.00005; gnomAD exomes 0.00004; ESP Exome Variant Server 0.00008.
gnomAD v4.1: 48 of 1,610,498 alleles (0.003%); highest among the groups gnomAD compares: South Asian, 0.012%; no homozygotes.

Submissions (2):

Labcorp Genetics (formerly Invitae), Labcorp
Classification: Uncertain significance. Last evaluated: 2024-03-25. Review status: criteria provided, single submitter. Criteria: Invitae Variant Classification Sherloc (09022015). Collection method: clinical testing. Allele origin: germline.
Comment: This sequence change replaces threonine, which is neutral and polar, with methionine, which is neutral and non-polar, at codon 139 of the PYCR1 protein (p.Thr139Met). This variant is present in population databases (rs145576273, gnomAD 0.02%). This variant has not been reported in the literature in individuals affected with PYCR1-related conditions. ClinVar contains an entry for this variant (Variation ID: 1422870). Advanced modeling of protein sequence and biophysical properties (such as structural, functional, and spatial information, amino acid conservation, physicochemical variation, residue mobility, and thermodynamic stability) performed at Invitae indicates that this missense variant is not expected to disrupt PYCR1 protein function with a negative predictive value of 80%. In summary, the available evidence is currently insufficient to determine the role of this variant in disease. Therefore, it has been classified as a Variant of Uncertain Significance.

Ambry Genetics
Classification: Uncertain significance for Inborn genetic diseases. Last evaluated: 2022-10-27. Review status: criteria provided, single submitter. Criteria: Ambry Variant Classification Scheme 2023. Collection method: clinical testing. Allele origin: germline.